The following is an entry in ClinVar:

ClinVar aggregate classification (germline): Uncertain significance. Review status: criteria provided, multiple submitters, no conflicts (2 of 4 stars). 2 submissions from 2 submitters: Uncertain significance (2). Last evaluated 2025-06-30.

Conditions:
Klippel-Feil syndrome 1, autosomal dominant (KFS1). Also called: CERVICAL VERTEBRAL FUSION, AUTOSOMAL DOMINANT. Identifiers: Orphanet 2345, MedGen C1861689, MONDO:0007306, OMIM 118100.
Leber congenital amaurosis 17 (LCA17). Identifiers: Orphanet 65, MedGen C3715164, MONDO:0014145, OMIM 615360.
Isolated microphthalmia 4. Identifiers: Orphanet 2542, MedGen C2751307, MONDO:0013130, OMIM 613094.
Microphthalmia, isolated, with coloboma 6 (MCOPCB6). Also called: Microphthalmia with coloboma 6, digenic; Microphthalmia with coloboma 6; MICROPHTHALMIA/COLOBOMA 6. Identifiers: Orphanet 98938, MedGen C3150968, MONDO:0013376, OMIM 613703.
Inborn genetic diseases. Identifiers: MedGen C0950123, MeSH D030342.

Allele frequency attached by ClinVar (database versions not stated): ExAC 0.00010; TOPMed 0.00003.
gnomAD v4.1: 4 of 1,492,086 alleles (0.00027%); highest among the groups gnomAD compares: Admixed American, 0.0065%; no homozygotes.

Submissions (2):

Labcorp Genetics (formerly Invitae), Labcorp
Classification: Uncertain significance for Isolated microphthalmia 4; Leber congenital amaurosis 17; Klippel-Feil syndrome 1, autosomal dominant; Microphthalmia, isolated, with coloboma 6. Last evaluated: 2025-06-30. Review status: criteria provided, single submitter. Criteria: Invitae Variant Classification Sherloc (09022015). Collection method: clinical testing. Allele origin: germline.
Comment: This sequence change replaces arginine, which is basic and polar, with proline, which is neutral and non-polar, at codon 250 of the GDF6 protein (p.Arg250Pro). This variant is present in population databases (rs764642726, gnomAD 0.01%). This variant has not been reported in the literature in individuals affected with GDF6-related conditions. ClinVar contains an entry for this variant (Variation ID: 2079940). An algorithm developed to predict the effect of missense changes on protein structure and function outputs the following: PolyPhen-2: "Benign". The proline amino acid residue is found in multiple mammalian species, which suggests that this missense change does not adversely affect protein function. In summary, the available evidence is currently insufficient to determine the role of this variant in disease. Therefore, it has been classified as a Variant of Uncertain Significance.

Ambry Genetics
Classification: Uncertain significance for Inborn genetic diseases. Last evaluated: 2024-12-18. Review status: criteria provided, single submitter. Criteria: Ambry Variant Classification Scheme 2023. Collection method: clinical testing. Allele origin: germline.

NM_001001557.4(GDF6):c.749G>C (p.Arg250Pro)

Gene: GDF6 (growth differentiation factor 6; minus strand). Cytogenetic location: 8q22.1.
Variant type: single nucleotide variant.
Coding change: c.749G>C on transcript NM_001001557.4 (MANE Select); coding-DNA position 749, G replaced by C.
Protein change: p.Arg250Pro; replaces arginine 250 with proline.
Molecular consequence: missense variant.
Genome position (GRCh38, 1-based): chr8:96,145,182, C>G on the plus strand (G>C on the coding strand, the complement: GDF6 is on the minus strand). VCF-style: chr8-96145182-C-G. GRCh37 (hg19) VCF-style: chr8-97157410-C-G.
Other names: c.749G>C (NM_001001557.2); short protein forms R250P.
Identifiers: ClinVar variation 2079940 (VCV002079940.5), dbSNP rs764642726, ClinGen allele CA4815415.